The following is an entry in ClinVar:

ClinVar aggregate classification (germline): Pathogenic (1 of 4 stars; one submission).

Conditions:
Treacher Collins syndrome 1 (TCS1). Also called: TCOF1-Related Treacher Collins Syndrome. Identifiers: Orphanet 861, MedGen CN315775, MONDO:0007944, OMIM 154500.

Submission:

Labcorp Genetics (formerly Invitae), Labcorp
Classification: Pathogenic for Treacher Collins syndrome 1. Last evaluated: 2019-01-18. Review status: criteria provided, single submitter. Criteria: Invitae Variant Classification Sherloc (09022015). Collection method: clinical testing. Allele origin: germline.
Comment: This sequence change affects a donor splice site in intron 23 of the TCOF1 gene. It is expected to disrupt RNA splicing and likely results in an absent or disrupted protein product. For these reasons, this variant has been classified as Pathogenic. Donor and acceptor splice site variants typically lead to a loss of protein function (PMID: 16199547), and loss-of-function variants in TCOF1 are known to be pathogenic (PMID: 8894686, 22317976). This variant is not present in population databases (ExAC no frequency).

Literature cited by the submitters: PubMed 16199547; PubMed 8894686; PubMed 22317976.

NM_001371623.1(TCOF1):c.3784+1G>C

Gene: TCOF1 (treacle ribosome biogenesis factor 1; plus strand). Cytogenetic location: 5q32.
Variant type: single nucleotide variant.
Coding change: c.3784+1G>C on transcript NM_001371623.1 (MANE Select); the canonical splice donor site of the intron after coding-DNA position 3784, G replaced by C.
Molecular consequence: splice donor variant.
Genome position (GRCh38, 1-based): chr5:150,393,553, G>C. VCF-style: chr5-150393553-G-C. GRCh37 (hg19) VCF-style: chr5-149773116-G-C.
Other names: c.3781+1G>C (NM_001135243.2); c.3670+1G>C (NM_001135244.2); c.3667+1G>C (NM_001195141.2); c.3553+1G>C (NM_001135245.2); c.3550+1G>C (NM_000356.4).
Identifiers: ClinVar variation 845924 (VCV000845924.10), dbSNP rs1767850450, ClinGen allele CA361740038.
Genomic context (GRCh38, chr5:150,393,553, plus strand): 5'-CAGATGGCAAGCAGGAGGCAAAGCCCCAACAGGCAGCAGGCATGTTGTCCCCTAAAACAG[G>C]TAAGTTAAGGTCTGCAGGAGGGACATAGCAGGACACAGAGGGACAGGGCAGTGGGCCCCT-3'